The following is an entry in ClinVar:

NM_017739.4(POMGNT1):c.421-29_452del

Genes: POMGNT1 (protein O-linked mannose N-acetylglucosaminyltransferase 1 (beta 1,2-); minus strand), TSPAN1 (tetraspanin 1; plus strand). Cytogenetic location: 1p34.1.
Variant type: Deletion.
Coding change: c.421-29_452del on transcript NM_017739.4 (MANE Select); 29 bases into the intron before coding-DNA position 421 through coding-DNA position 452, 61 bases deleted.
Molecular consequence: splice acceptor variant. On other transcripts: initiator codon variant (1).
Genome position (GRCh38, 1-based): chr1:46,195,893-46,195,953, 61 bases deleted. GRCh37 (hg19): chr1:46,661,571-46,661,631.
Other names: c.421-29_452del (NM_001243766.2, NM_001438686.1, NM_001438688.1 and 3 more transcripts); c.355-29_386del (NM_001290129.3, NM_001438691.1, NM_001438692.1); c.-9-29_23del (NM_001290130.2).
Identifiers: ClinVar variation 1515947 (VCV001515947.7), dbSNP rs2148212111, ClinGen allele CA2573132014.

ClinVar aggregate classification (germline): Likely pathogenic (1 of 4 stars; one submission).

Conditions:
Autosomal recessive limb-girdle muscular dystrophy type 2O. Also called: Limb-Girdle Muscular Dystrophy Type 3C; MUSCULAR DYSTROPHY-DYSTROGLYCANOPATHY (LIMB-GIRDLE), TYPE C, 3; MUSCULAR DYSTROPHY-DYSTROGLYCANOPATHY, LIMB-GIRDLE, POMGNT1-RELATED. Identifiers: Orphanet 206564, MedGen C3150417, MONDO:0013161, OMIM 613157.
Muscular dystrophy-dystroglycanopathy (congenital with impaired intellectual development), type B, 3. Also called: Muscular dystrophy-dystroglycanopathy (congenital with intellectual disability), type B3; MUSCULAR DYSTROPHY, CONGENITAL, POMGNT1-RELATED. Identifiers: MedGen C3150412, MONDO:0013155, OMIM 613151.

Submission:

Labcorp Genetics (formerly Invitae), Labcorp
Classification: Likely pathogenic for Autosomal recessive limb-girdle muscular dystrophy type 2O; Muscular dystrophy-dystroglycanopathy (congenital with impaired intellectual development), type B, 3. Last evaluated: 2021-12-02. Review status: criteria provided, single submitter. Criteria: Invitae Variant Classification Sherloc (09022015). Collection method: clinical testing. Allele origin: germline.
Comment: This variant results in the deletion of part of exon 6 (c.421-29_452del) of the POMGNT1 gene. It is expected to disrupt RNA splicing. Variants that disrupt the donor or acceptor splice site typically lead to a loss of protein function (PMID: 16199547), and loss-of-function variants in POMGNT1 are known to be pathogenic (PMID: 19299310, 20816175, 21447391, 26908613, 27391550). This variant is not present in population databases (gnomAD no frequency). This variant has not been reported in the literature in individuals affected with POMGNT1-related conditions. Algorithms developed to predict the effect of sequence changes on RNA splicing suggest that this variant may disrupt the consensus splice site. In summary, the currently available evidence indicates that the variant is pathogenic, but additional data are needed to prove that conclusively. Therefore, this variant has been classified as Likely Pathogenic.

Literature cited by the submitters: PubMed 16199547; PubMed 19299310; PubMed 20816175; PubMed 21447391; PubMed 26908613; PubMed 27391550.